The following is an entry in ClinVar:

NM_004577.4(PSPH):c.596A>T (p.Asn199Ile)

Gene: PSPH (phosphoserine phosphatase; minus strand). Cytogenetic location: 7p11.2.
Variant type: single nucleotide variant.
Coding change: c.596A>T on transcript NM_004577.4 (MANE Select); coding-DNA position 596, A replaced by T.
Protein change: p.Asn199Ile; replaces asparagine 199 with isoleucine.
Molecular consequence: missense variant.
Genome position (GRCh38, 1-based): chr7:56,011,844, T>A on the plus strand (A>T on the coding strand, the complement: PSPH is on the minus strand). VCF-style: chr7-56011844-T-A. GRCh37 (hg19) VCF-style: chr7-56079537-T-A.
Other names: c.596A>T, p.Asn199Ile (NM_001370503.1, NM_001370504.1, NM_001370505.1 and 17 more transcripts); short protein forms N199I.
Identifiers: ClinVar variation 944490 (VCV000944490.7), dbSNP rs753682900, ClinGen allele CA4268597.

ClinVar aggregate classification (germline): Uncertain significance (1 of 4 stars; one submission).

Conditions:
Deficiency of phosphoserine phosphatase (PSPHD). Also called: PSPH deficiency; Phosphoserine phosphatase deficiency. Identifiers: Orphanet 79350, MedGen C1291463, MONDO:0013531, OMIM 614023.

Allele frequency attached by ClinVar (database versions not stated): gnomAD 0.00001; TOPMed 0.00001; gnomAD exomes 0.00002 and 0.00003; ExAC 0.00006.
gnomAD v4.1: 35 of 1,611,976 alleles (0.0022%); highest among the groups gnomAD compares: Non-Finnish European, 0.0026%; no homozygotes.

Submission:

Labcorp Genetics (formerly Invitae), Labcorp
Classification: Uncertain significance for Deficiency of phosphoserine phosphatase. Last evaluated: 2021-12-16. Review status: criteria provided, single submitter. Criteria: Invitae Variant Classification Sherloc (09022015). Collection method: clinical testing. Allele origin: germline.
Comment: In summary, the available evidence is currently insufficient to determine the role of this variant in disease. Therefore, it has been classified as a Variant of Uncertain Significance. Algorithms developed to predict the effect of missense changes on protein structure and function are either unavailable or do not agree on the potential impact of this missense change (SIFT: "Tolerated"; PolyPhen-2: "Probably Damaging"; Align-GVGD: "Class C0"). ClinVar contains an entry for this variant (Variation ID: 944490). This variant has not been reported in the literature in individuals affected with PSPH-related conditions. This variant is present in population databases (rs753682900, gnomAD 0.008%). This sequence change replaces asparagine, which is neutral and polar, with isoleucine, which is neutral and non-polar, at codon 199 of the PSPH protein (p.Asn199Ile).